The following is an entry in ClinVar:

ClinVar aggregate classification (germline): Uncertain significance. Review status: criteria provided, multiple submitters, no conflicts (2 of 4 stars). 2 submissions from 2 submitters: Uncertain significance (2). Last evaluated 2024-11-21.

Conditions:
Facioscapulohumeral muscular dystrophy 2 (FSHD2). Also called: MUSCULAR DYSTROPHY, FACIOSCAPULOHUMERAL, TYPE 1B; FACIOSCAPULOHUMERAL MUSCULAR DYSTROPHY 2, DIGENIC; FSHD2, DIGENIC. Identifiers: Orphanet 269, MedGen C1834671, MONDO:0008031, OMIM 158901.

Allele frequency attached by ClinVar (database versions not stated): gnomAD exomes below 0.00001; TOPMed below 0.00001; ExAC 0.00001.

Submissions (2):

Labcorp Genetics (formerly Invitae), Labcorp
Classification: Uncertain significance for Facioscapulohumeral muscular dystrophy 2. Last evaluated: 2024-11-21. Review status: criteria provided, single submitter. Criteria: Invitae Variant Classification Sherloc (09022015). Collection method: clinical testing. Allele origin: germline.
Comment: This sequence change replaces methionine, which is neutral and non-polar, with valine, which is neutral and non-polar, at codon 1883 of the SMCHD1 protein (p.Met1883Val). This variant is present in population databases (rs776598393, gnomAD 0.0009%). This variant has not been reported in the literature in individuals affected with SMCHD1-related conditions. ClinVar contains an entry for this variant (Variation ID: 500363). Invitae Evidence Modeling of protein sequence and biophysical properties (such as structural, functional, and spatial information, amino acid conservation, physicochemical variation, residue mobility, and thermodynamic stability) indicates that this missense variant is not expected to disrupt SMCHD1 protein function with a negative predictive value of 80%. In summary, the available evidence is currently insufficient to determine the role of this variant in disease. Therefore, it has been classified as a Variant of Uncertain Significance.

Eurofins Ntd Llc (ga)
Classification: Uncertain significance. Last evaluated: 2017-02-07. Review status: criteria provided, single submitter. Criteria: EGL Classification Definitions 2015. Collection method: clinical testing. Allele origin: germline. Observed: 1 variant allele, 1 heterozygote.

NM_015295.3(SMCHD1):c.5647A>G (p.Met1883Val)

Gene: SMCHD1 (structural maintenance of chromosomes flexible hinge domain containing 1; plus strand). Cytogenetic location: 18p11.32.
Variant type: single nucleotide variant.
Coding change: c.5647A>G on transcript NM_015295.3 (MANE Select); coding-DNA position 5647, A replaced by G.
Protein change: p.Met1883Val; replaces methionine 1883 with valine.
Molecular consequence: missense variant.
Genome position (GRCh38, 1-based): chr18:2,784,549, A>G. VCF-style: chr18-2784549-A-G. GRCh37 (hg19) VCF-style: chr18-2784547-A-G.
Other names: short protein forms M1883V.
Identifiers: ClinVar variation 500363 (VCV000500363.8), dbSNP rs776598393, ClinGen allele CA8871758.